The following is an entry in ClinVar:

NM_145290.4(ADGRA3):c.3881G>A (p.Ser1294Asn)

Gene: ADGRA3 (adhesion G protein-coupled receptor A3; minus strand). Cytogenetic location: 4p15.2.
Variant type: single nucleotide variant.
Coding change: c.3881G>A on transcript NM_145290.4 (MANE Select); coding-DNA position 3881, G replaced by A.
Protein change: p.Ser1294Asn; replaces serine 1294 with asparagine.
Molecular consequence: missense variant.
Genome position (GRCh38, 1-based): chr4:22,387,790, C>T on the plus strand (G>A on the coding strand, the complement: ADGRA3 is on the minus strand). VCF-style: chr4-22387790-C-T. GRCh37 (hg19) VCF-style: chr4-22389413-C-T.
Other names: short protein forms S1294N.
Identifiers: ClinVar variation 3675617 (VCV003675617.2).

ClinVar aggregate classification (germline): Uncertain significance (1 of 4 stars; one submission).

gnomAD v4.1: 1 of 1,614,120 alleles (0.000062%); highest among the groups gnomAD compares: South Asian, 0.0011%; no homozygotes.

Submission:

Labcorp Genetics (formerly Invitae), Labcorp
Classification: Uncertain significance. Last evaluated: 2024-02-06. Review status: criteria provided, single submitter. Criteria: Invitae Variant Classification Sherloc (09022015). Collection method: clinical testing. Allele origin: germline.
Comment: This sequence change replaces serine, which is neutral and polar, with asparagine, which is neutral and polar, at codon 1294 of the ADGRA3 protein (p.Ser1294Asn). This variant is not present in population databases (gnomAD no frequency). This variant has not been reported in the literature in individuals affected with ADGRA3-related conditions. Algorithms developed to predict the effect of missense changes on protein structure and function output the following: SIFT: "Not Available"; PolyPhen-2: "Benign"; Align-GVGD: "Not Available". The asparagine amino acid residue is found in multiple mammalian species, which suggests that this missense change does not adversely affect protein function. In summary, the available evidence is currently insufficient to determine the role of this variant in disease. Therefore, it has been classified as a Variant of Uncertain Significance.